The following is an entry in ClinVar:

ClinVar aggregate classification (germline): Pathogenic. Review status: criteria provided, single submitter (1 of 4 stars). 2 submissions from 2 submitters: Pathogenic (1). 1 of the submissions does not count toward it. Last evaluated 2024-07-05.

Conditions:
Familial hemophagocytic lymphohistiocytosis 5. Also called: STXBP2-Related Familial Hemophagocytic Lymphohistiocytosis (STXBP2-fHLH). Identifiers: Orphanet 540, MedGen C2751293, MONDO:0013135, OMIM 613101.

Submissions (2):

Aleixo Muise Laboratory, Hospital For Sick Children
Classification: Pathogenic for Familial hemophagocytic lymphohistiocytosis 5. Last evaluated: 2024-07-05. Review status: criteria provided, single submitter. Criteria: ACMG Guidelines, 2015. Collection method: research. Allele origin: germline. Affected: yes. Observed: 1 variant allele.
Comment: PVS1;PS1;PM2;PM3;PP3;PP4

OMIM
Classification: Pathogenic for HEMOPHAGOCYTIC LYMPHOHISTIOCYTOSIS, FAMILIAL, 5, WITH MICROVILLUS INCLUSION DISEASE. Last evaluated: 2021-07-23. Review status: no assertion criteria provided. Collection method: literature only. Allele origin: germline. Not counted in ClinVar's aggregate classification.

Literature cited by the submitters: PubMed 28724787 (cited by OMIM).

NM_006949.4(STXBP2):c.1146del (p.Lys383fs)

Gene: STXBP2 (syntaxin binding protein 2; plus strand). Cytogenetic location: 19p13.2.
Variant type: Deletion.
Coding change: c.1146del on transcript NM_006949.4 (MANE Select); coding-DNA position 1146, one base deleted (C; older notation c.1146delC).
Protein change: p.Lys383fs; shifts the reading frame from lysine 383.
Molecular consequence: frameshift variant. On other transcripts: non-coding transcript variant (1).
Genome position (GRCh38, 1-based): chr19:7,644,652, C deleted. VCF-style (leftmost placement, unchanged base first): chr19-7644651-TC-T. GRCh37 (hg19) VCF-style: chr19-7709537-TC-T.
Other names: 1-BP DEL, 1146C; c.1137del, p.Lys380fs (NM_001127396.3); c.1179del, p.Lys394fs (NM_001272034.2); c.1146delC (NM_006949.4); short protein forms K380fs, K383fs, K394fs.
Identifiers: ClinVar variation 1184439 (VCV001184439.2), dbSNP rs2146226413, ClinGen allele CA2499225643.
Genomic context (GRCh38, chr19:7,644,651, plus strand): 5'-GACGGCTGACCCCATGCCCGCAGGACCTGGCCATGGGCTCCGACGCAGAGGGGGAGAAGA[TC>T]AAGGACTCCATGAAGCTGATCGTTCCGGTGCTGCTGGACGCGGCGGTGCCCGCCTACGAC-3'